The following is an entry in ClinVar:

ClinVar aggregate classification (germline): Uncertain significance (1 of 4 stars; one submission).

Conditions:
Cystic fibrosis (CF). Also called: MUCOVISCIDOSIS. Identifiers: Orphanet 586, MedGen C0010674, MONDO:0009061, OMIM 219700. Disease mechanism: loss of function.

Submission:

Women's Health and Genetics/Laboratory Corporation of America, LabCorp
Classification: Uncertain significance for Cystic Fibrosis. Last evaluated: 2011-08-18. Review status: criteria provided, single submitter. Criteria: LabCorp Variant Classification Summary - May 2015. Collection method: curation. Allele origin: germline. Inheritance: autosomal unknown. Affected: yes.
ClinVar note: Converted during submission from uncertain to Uncertain significance.

NM_000492.4(CFTR):c.743+4G>T

Gene: CFTR (CF transmembrane conductance regulator; plus strand). Cytogenetic location: 7q31.2.
Variant type: single nucleotide variant.
Coding change: c.743+4G>T on transcript NM_000492.4 (MANE Select); 4 bases into the intron after coding-DNA position 743, G replaced by T.
Molecular consequence: intron variant.
Genome position (GRCh38, 1-based): chr7:117,535,415, G>T. VCF-style: chr7-117535415-G-T. GRCh37 (hg19) VCF-style: chr7-117175469-G-T.
Identifiers: ClinVar variation 35888 (VCV000035888.3), dbSNP rs193922530, ClinGen allele CA260258.